The following is an entry in ClinVar:

NM_152906.7(TANGO2):c.1A>G (p.Met1Val)

Gene: TANGO2 (transport and golgi organization 2 homolog; plus strand). Cytogenetic location: 22q11.21.
Variant type: single nucleotide variant.
Coding change: c.1A>G on transcript NM_152906.7 (MANE Select); coding-DNA position 1, A replaced by G.
Protein change: p.Met1Val; changes the start codon (methionine 1).
Molecular consequence: missense variant, initiator codon variant. On other transcripts: 5 prime UTR variant (20), non-coding transcript variant (5).
Genome position (GRCh38, 1-based): chr22:20,036,799, A>G. VCF-style: chr22-20036799-A-G. GRCh37 (hg19) VCF-style: chr22-20024322-A-G.
Other names: c.1A>G, p.Met1Val (NM_001283106.3, NM_001283116.3, NM_001283148.3 and 10 more transcripts); c.-117A>G (NM_001283129.3, NM_001283215.3, NM_001322141.2 and 5 more transcripts); c.-179A>G (NM_001283235.3, NM_001322146.2, NM_001322153.2 and 5 more transcripts); c.-419A>G (NM_001322148.2, NM_001322150.2, NM_001322172.2 and 1 more transcripts); short protein forms M1V.
Identifiers: ClinVar variation 2192583 (VCV002192583.5), dbSNP rs543701505, ClinGen allele CA322130913.
Genomic context (GRCh38, chr22:20,036,799, plus strand): 5'-AGTGTTTTCCTTTTCCCGCAGACCTCGCGACCTGTGTCAGCAGAGCCGCCCTGCACCACC[A>G]TGTGCATCATCTTCTTTAAGTTTGATCCTCGCCCTGTTTCCAAAAACGCGTACAGGTAAC-3'
Protein context (NP_690870.3, residues 1-11): [Met1Val]CIIFFKFDPR

ClinVar aggregate classification (germline): Uncertain significance (1 of 4 stars; one submission).

Allele frequency attached by ClinVar (database versions not stated): gnomAD exomes below 0.00001; TOPMed 0.00001.

Submission:

Labcorp Genetics (formerly Invitae), Labcorp
Classification: Uncertain significance. Last evaluated: 2024-11-11. Review status: criteria provided, single submitter. Criteria: Invitae Variant Classification Sherloc (09022015). Collection method: clinical testing. Allele origin: germline.
Comment: This sequence change affects the initiator methionine of the TANGO2 mRNA. The next in-frame methionine is located at codon 52. This variant is not present in population databases (gnomAD no frequency). This variant has not been reported in the literature in individuals affected with TANGO2-related conditions. ClinVar contains an entry for this variant (Variation ID: 2192583). Experimental studies and prediction algorithms are not available or were not evaluated, and the functional significance of this variant is currently unknown. This variant disrupts a region of the TANGO2 protein in which other variant(s) (p.Arg26Lys) have been observed in individuals with TANGO2-related conditions (PMID: 30245509). This suggests that this is a clinically significant region of the protein, and that variants that disrupt it are likely to be disease-causing. In summary, the available evidence is currently insufficient to determine the role of this variant in disease. Therefore, it has been classified as a Variant of Uncertain Significance.

Literature cited by the submitters: PubMed 30245509.